The following is an entry in ClinVar:

ClinVar aggregate classification (germline): Pathogenic. Review status: criteria provided, multiple submitters, no conflicts (2 of 4 stars). 2 submissions from 2 submitters: Pathogenic (2). Last evaluated 2022-01-01.

Conditions:
Multiple acyl-CoA dehydrogenase deficiency (MADD). Also called: ETHYLMALONIC-ADIPICACIDURIA; GA II; Glutaric aciduria, type 2; Glutaric acidemia type II; GA 2; Glutaric Acidemia type 2. Identifiers: Orphanet 26791, MedGen C0268596, MONDO:0009282, OMIM 231680.

Submissions (2):

Provincial Medical Genetics Program of British Columbia, University of British Columbia
Classification: Pathogenic for Multiple acyl-CoA dehydrogenase deficiency. Last evaluated: 2022-01-01. Review status: criteria provided, single submitter. Criteria: ACMG Guidelines, 2015. Collection method: clinical testing. Allele origin: biparental. Affected: yes.

GeneDx
Classification: Pathogenic. Last evaluated: 2018-04-25. Review status: criteria provided, single submitter. Criteria: GeneDx Variant Classification (06012015). Collection method: clinical testing. Allele origin: germline. Affected: yes.
Comment: The c.426_427insAlu variant in the ETFB gene has not been reported previously as a pathogenic variant, nor as a benign variant, to our knowledge. Mobile insertion elements, including retrotransposon-mediated events such as Alu inserts, are estimated to account for 1 in 600 disease causing variants (Kazazian et al., 2000). Therefore, we interpret c.426_427insAlu as a pathogenic variant.

NM_001985.2:c.426_427insAlu

Gene: ETFB (electron transfer flavoprotein subunit beta; minus strand). Cytogenetic location: 19q13.41.
Variant type: Insertion.
Identifiers: ClinVar variation 800736 (VCV000800736.3).